The following is an entry in ClinVar:

ClinVar aggregate classification (germline): Uncertain significance (1 of 4 stars; one submission).

Conditions:
Fanconi anemia (FA). Also called: Fanconi's anemia. Identifiers: Orphanet 84, MedGen C0015625, MeSH D005199, MONDO:0019391.

Submission:

Labcorp Genetics (formerly Invitae), Labcorp
Classification: Uncertain significance for Fanconi anemia. Last evaluated: 2021-05-10. Review status: criteria provided, single submitter. Criteria: Invitae Variant Classification Sherloc (09022015). Collection method: clinical testing. Allele origin: germline.
Comment: This variant, c.2582_2584del, results in the deletion of 1 amino acid(s) of the FANCM protein (p.Ile861del), but otherwise preserves the integrity of the reading frame. This variant is present in population databases (rs759751361, ExAC 0.01%). This variant has not been reported in the literature in individuals with FANCM-related conditions. Experimental studies and prediction algorithms are not available or were not evaluated, and the functional significance of this variant is currently unknown. In summary, the available evidence is currently insufficient to determine the role of this variant in disease. Therefore, it has been classified as a Variant of Uncertain Significance.

NM_020937.4(FANCM):c.2582_2584del (p.Ile861del)

Gene: FANCM (FA complementation group M; plus strand). Cytogenetic location: 14q21.2.
Variant type: Deletion.
Coding change: c.2582_2584del on transcript NM_020937.4 (MANE Select); coding-DNA positions 2582 to 2584, 3 bases deleted (TAA; older notation c.2582_2584delTAA).
Protein change: p.Ile861del; deletes isoleucine 861.
Molecular consequence: inframe deletion.
Genome position (GRCh38, 1-based): chr14:45,175,336-45,175,338, TAA deleted; deleting any 3 consecutive bases within chr14:45,175,334-45,175,338 gives the same sequence; the c. name uses the placement nearest the transcript's 3' end. VCF-style (leftmost placement, unchanged base first): chr14-45175333-AAAT-A. GRCh37 (hg19) VCF-style: chr14-45644536-AAAT-A.
Other names: c.2504_2506del, p.Ile835del (NM_001308133.2); short protein forms I835del, I861del.
Identifiers: ClinVar variation 1430089 (VCV001430089.8), dbSNP rs759751361, ClinGen allele CA7169372.
Genomic context (GRCh38, chr14:45,175,333, plus strand): 5'-TTAAACAAACTCATATCAAACCTACTAAAATTGTTTCTTTAAAGAAAAAAGTGTCTAAAG[AAAT>A]AAAAAAAGATCAGCTTAAAAAAGAAAATAATCACGGTATTATAGATTCTGTAGATAATGA-3'